The following is an entry in ClinVar:

NM_004004.6(GJB2):c.35G>C (p.Gly12Ala)

Gene: GJB2 (gap junction protein beta 2; minus strand). Cytogenetic location: 13q12.11.
Variant type: single nucleotide variant.
Coding change: c.35G>C on transcript NM_004004.6 (MANE Select); coding-DNA position 35, G replaced by C.
Protein change: p.Gly12Ala; replaces glycine 12 with alanine.
Molecular consequence: missense variant.
Genome position (GRCh38, 1-based): chr13:20,189,547, C>G on the plus strand (G>C on the coding strand, the complement: GJB2 is on the minus strand). VCF-style: chr13-20189547-C-G. GRCh37 (hg19) VCF-style: chr13-20763686-C-G.
Other names: short protein forms G12A.
Identifiers: ClinVar variation 3902313 (VCV003902313.1).

ClinVar aggregate classification (germline): Uncertain significance (1 of 4 stars; one submission).

Submission:

Women's Health and Genetics/Laboratory Corporation of America, LabCorp
Classification: Uncertain significance. Last evaluated: 2025-05-12. Review status: criteria provided, single submitter. Criteria: LabCorp Variant Classification Summary - May 2015. Collection method: clinical testing. Allele origin: germline.
Comment: Variant summary: GJB2 c.35G>C (p.Gly12Ala) results in a non-conservative amino acid change in the encoded protein sequence. Algorithms developed to predict the effect of missense changes on protein structure and function all suggest that this variant is likely to be disruptive. The variant was absent in 249434 control chromosomes (gnomAD). A variant, described as GJB2 G12A, was listed in a literature review (PMID 36444857), however it cited a paper that reported a different variant (i.e. Gly12Arg aka G12R; PMID 31099403). Therefore, to our knowledge, no occurrence of c.35G>C (G12A) in individuals affected with Autosomal Recessive (AR) Non-Syndromic Hearing Loss (NSHL) and no experimental evidence demonstrating its impact on protein function have been reported. However, different missense variants affecting the same codon have been classified as likely pathogenic/pathogenic by our lab (c.35G>T (p.Gly12Val) and c.34G>T (p.Gly12Cys)) for AR NSHL, supporting the critical relevance of codon 12 to GJB2 protein function. No submitters have cited clinical-significance assessments for this variant to ClinVar. Based on the evidence outlined above, the variant was classified as VUS-possibly pathogenic.

Literature cited by the submitters: PubMed 36444857.